The following is an entry in ClinVar:

NM_022835.3(PLEKHG2):c.1729G>A (p.Asp577Asn)

Gene: PLEKHG2 (pleckstrin homology and RhoGEF domain containing G2; plus strand). Cytogenetic location: 19q13.2.
Variant type: single nucleotide variant.
Coding change: c.1729G>A on transcript NM_022835.3 (MANE Select); coding-DNA position 1729, G replaced by A.
Protein change: p.Asp577Asn; replaces aspartic acid 577 with asparagine.
Molecular consequence: missense variant. On other transcripts: intron variant (1).
Genome position (GRCh38, 1-based): chr19:39,422,783, G>A. VCF-style: chr19-39422783-G-A. GRCh37 (hg19) VCF-style: chr19-39913423-G-A.
Other names: c.1552G>A, p.Asp518Asn (NM_001351693.2); c.1677+495G>A (NM_001351694.2); short protein forms D577N, D518N.
Identifiers: ClinVar variation 2086400 (VCV002086400.4), dbSNP rs572311103, ClinGen allele CA9429641.
Genomic context (GRCh38, chr19:39,422,783, plus strand): 5'-CCACTATAGCCGTCCACCCATGACATTCCCAAGTTCCCCGGAGACTCCCAGGTGCCTGGC[G>A]ACAGCGAAACCCTCACATTCCAAGCCCTGCCCAGCCGGGACTCTTCAGAAGAGGAGGAGG-3'
Protein context (NP_073746.2, residues 567-587): KFPGDSQVPG[Asp577Asn]SETLTFQALP

ClinVar aggregate classification (germline): Uncertain significance (1 of 4 stars; one submission).

Allele frequency attached by ClinVar (database versions not stated): gnomAD exomes below 0.00001; ExAC 0.00001; TOPMed 0.00001; gnomAD 0.00002; 1000 Genomes Project 30x 0.00016; 1000 Genomes Project 0.00020.
gnomAD v4.1: 8 of 1,525,836 alleles (0.00052%); highest among the groups gnomAD compares: African/African-American, 0.0014%; no homozygotes.

Submission:

Labcorp Genetics (formerly Invitae), Labcorp
Classification: Uncertain significance. Last evaluated: 2024-11-05. Review status: criteria provided, single submitter. Criteria: Invitae Variant Classification Sherloc (09022015). Collection method: clinical testing. Allele origin: germline.
Comment: This sequence change replaces aspartic acid, which is acidic and polar, with asparagine, which is neutral and polar, at codon 577 of the PLEKHG2 protein (p.Asp577Asn). This variant is present in population databases (rs572311103, gnomAD 0.007%). This variant has not been reported in the literature in individuals affected with PLEKHG2-related conditions. ClinVar contains an entry for this variant (Variation ID: 2086400). An algorithm developed to predict the effect of missense changes on protein structure and function outputs the following: PolyPhen-2: "Benign". The asparagine amino acid residue is found in multiple mammalian species, which suggests that this missense change does not adversely affect protein function. In summary, the available evidence is currently insufficient to determine the role of this variant in disease. Therefore, it has been classified as a Variant of Uncertain Significance.